The following is an entry in ClinVar:

ClinVar aggregate classification (germline): Pathogenic (1 of 4 stars; one submission).

Submission:

Genetics Laboratory, UDIAT-Centre Diagnòstic, Hospital Universitari Parc Tauli
Classification: Pathogenic. Last evaluated: 2021-04-26. Review status: criteria provided, single submitter. Criteria: Parc Tauli Hospital Assertion Criteria 2021. Collection method: clinical testing. Allele origin: de novo. Inheritance: X-linked inheritance. Affected: yes. Observed: 1 hemizygote.
Comment: PVS1_very strong;PM2_supporting;PM6_moderate;PP3_supporting

NM_001039591.3(USP9X):c.3066G>A (p.Trp1022Ter)

Gene: USP9X (ubiquitin specific peptidase 9 X-linked; plus strand). Cytogenetic location: Xp11.4.
Variant type: single nucleotide variant.
Coding change: c.3066G>A on transcript NM_001039591.3 (MANE Select); coding-DNA position 3066, G replaced by A.
Protein change: p.Trp1022Ter; replaces tryptophan 1022 with a stop codon.
Molecular consequence: nonsense.
Genome position (GRCh38, 1-based): chrX:41,171,876, G>A. VCF-style: chrX-41171876-G-A. GRCh37 (hg19) VCF-style: chrX-41031129-G-A.
Other names: c.3066G>A, p.Trp1022Ter (NM_001039590.3); short protein forms W1022*.
Identifiers: ClinVar variation 1098318 (VCV001098318.2), dbSNP rs2147126994, ClinGen allele CA412760954.